The following is an entry in ClinVar:

NM_001369.3(DNAH5):c.11764_11766delinsTGTGTATAAG (p.Gly3922delinsCysValTer)

Gene: DNAH5 (dynein axonemal heavy chain 5; minus strand). Cytogenetic location: 5p15.2.
Variant type: Indel.
Coding change: c.11764_11766delinsTGTGTATAAG on transcript NM_001369.3 (MANE Select); coding-DNA positions 11764 to 11766, GGT replaced by TGTGTATAAG.
Protein change: p.Gly3922delinsCysValTer.
Molecular consequence: nonsense.
Genome position (GRCh38, 1-based): chr5:13,729,556-13,729,558, ACC replaced by CTTATACACA on the plus strand (GGT replaced by TGTGTATAAG on the coding strand, the reverse complement: DNAH5 is on the minus strand). VCF-style: chr5-13729556-ACC-CTTATACACA. GRCh37 (hg19) VCF-style: chr5-13729665-ACC-CTTATACACA.
Identifiers: ClinVar variation 5010921 (VCV005010921.1).

ClinVar aggregate classification (germline): Pathogenic (1 of 4 stars; one submission).

Conditions:
Primary ciliary dyskinesia 3. Identifiers: Orphanet 244, MedGen C1837618, MONDO:0012085, OMIM 608644.

Submission:

Myriad Genetics, Inc.
Classification: Pathogenic for Primary ciliary dyskinesia 3. Last evaluated: 2024-05-14. Review status: criteria provided, single submitter. Criteria: Myriad Autosomal Dominant, Autosomal Recessive and X-Linked Classification Criteria (2023). Collection method: clinical testing. Allele origin: unknown.
Comment: NM_001369.2(DNAH5):c.11764_11766del3ins10(G3922Cfs*3) is expected to be pathogenic in the context of primary ciliary dyskinesia, DNAH5-related. This variant is predicted to lead to an abnormal or absent protein product due to the creation of a premature termination codon in DNAH5, a gene where loss-of-function variants are known to be pathogenic. Please note: this variant was assessed in the context of healthy population screening.